The following is an entry in ClinVar:

NM_001130438.3(SPTAN1):c.1514T>A (p.Leu505His)

Gene: SPTAN1 (spectrin alpha, non-erythrocytic 1; plus strand). Cytogenetic location: 9q34.11.
Variant type: single nucleotide variant.
Coding change: c.1514T>A on transcript NM_001130438.3 (MANE Select); coding-DNA position 1514, T replaced by A.
Protein change: p.Leu505His; replaces leucine 505 with histidine.
Molecular consequence: missense variant.
Genome position (GRCh38, 1-based): chr9:128,581,834, T>A. VCF-style: chr9-128581834-T-A. GRCh37 (hg19) VCF-style: chr9-131344113-T-A.
Other names: c.1514T>A, p.Leu505His (NM_001195532.2, NM_001363759.2, NM_001363765.2 and 5 more transcripts); c.1550T>A, p.Leu517His (NM_001375312.2, NM_001375318.1); short protein forms L505H, L517H.
Identifiers: ClinVar variation 2577767 (VCV002577767.1), dbSNP rs2541134876, ClinGen allele CA375054221.
Genomic context (GRCh38, chr9:128,581,834, plus strand): 5'-TTGGCAAGGCGTTCCTGTTGAATGAAGACTTGGGAGATTCCTTGGATAGTGTGGAAGCGC[T>A]TCTTAAGAAGCACGAAGACTTTGAGAAATCCCTTAGTGCCCAGGAGGAAAAGATTACAGT-3'
Protein context (NP_001123910.1, residues 495-515): LGDSLDSVEA[Leu505His]LKKHEDFEKS

ClinVar aggregate classification (germline): Uncertain significance (1 of 4 stars; one submission).

Submission:

GeneDx
Classification: Uncertain significance. Last evaluated: 2023-02-06. Review status: criteria provided, single submitter. Criteria: GeneDx Variant Classification Process June 2021. Collection method: clinical testing. Allele origin: germline. Affected: yes.
Comment: Not observed at significant frequency in large population cohorts (gnomAD); In silico analysis supports that this missense variant has a deleterious effect on protein structure/function; Has not been previously published as pathogenic or benign to our knowledge